The following is an entry in ClinVar:

NM_006158.5(NEFL):c.484G>A (p.Gly162Ser)

Gene: NEFL (neurofilament light chain; minus strand). Cytogenetic location: 8p21.2.
Variant type: single nucleotide variant.
Coding change: c.484G>A on transcript NM_006158.5 (MANE Select); coding-DNA position 484, G replaced by A.
Protein change: p.Gly162Ser; replaces glycine 162 with serine.
Molecular consequence: missense variant.
Genome position (GRCh38, 1-based): chr8:24,956,032, C>T on the plus strand (G>A on the coding strand, the complement: NEFL is on the minus strand). VCF-style: chr8-24956032-C-T. GRCh37 (hg19) VCF-style: chr8-24813546-C-T.
Other names: short protein forms G162S.
Identifiers: ClinVar variation 1448078 (VCV001448078.8), dbSNP rs1437779457, ClinGen allele CA370622283.
Genomic context (GRCh38, chr8:24,956,032, plus strand): 5'-CCTCCTCTTCATAGCGCGCCTGCAGGTTGCGCAGGGTCTCCTCCAGCCCTTCGCGCTCGC[C>T]CTGGAGCGCCTGCTTCTCGTTGGTGGCATCTTCCGCCGCCAGGCGCAGGTCGCGGATCTC-3'
Protein context (NP_006149.2, residues 152-172): DATNEKQALQ[Gly162Ser]EREGLEETLR

ClinVar aggregate classification (germline): Uncertain significance. Review status: criteria provided, multiple submitters, no conflicts (2 of 4 stars). 2 submissions from 2 submitters: Uncertain significance (2). Last evaluated 2022-06-13.

Conditions:
Inborn genetic diseases. Identifiers: MedGen C0950123, MeSH D030342.
Charcot-Marie-Tooth disease type 2E (CMT2E). Also called: CHARCOT-MARIE-TOOTH NEUROPATHY, TYPE 2E; CHARCOT-MARIE-TOOTH DISEASE, AXONAL, TYPE 2E. Identifiers: Orphanet 99939, MedGen C1843225, MONDO:0011894, OMIM 607684.

Allele frequency attached by ClinVar (database versions not stated): TOPMed below 0.00001.
gnomAD v4.1: 1 of 1,604,214 alleles (0.000062%); no homozygotes.

Submissions (2):

Labcorp Genetics (formerly Invitae), Labcorp
Classification: Uncertain significance for Charcot-Marie-Tooth disease type 2E. Last evaluated: 2022-06-13. Review status: criteria provided, single submitter. Criteria: Invitae Variant Classification Sherloc (09022015). Collection method: clinical testing. Allele origin: germline.
Comment: This variant has not been reported in the literature in individuals affected with NEFL-related conditions. In summary, the available evidence is currently insufficient to determine the role of this variant in disease. Therefore, it has been classified as a Variant of Uncertain Significance. Experimental studies and prediction algorithms are not available or were not evaluated, and the functional significance of this variant is currently unknown. This variant is not present in population databases (gnomAD no frequency). This sequence change replaces glycine, which is neutral and non-polar, with serine, which is neutral and polar, at codon 162 of the NEFL protein (p.Gly162Ser).

Ambry Genetics
Classification: Uncertain significance for Inborn genetic diseases. Last evaluated: 2020-05-18. Review status: criteria provided, single submitter. Criteria: Ambry Variant Classification Scheme 2023. Collection method: clinical testing. Allele origin: germline.
Comment: The p.G162S variant (also known as c.484G>A), located in coding exon 1 of the NEFL gene, results from a G to A substitution at nucleotide position 484. The glycine at codon 162 is replaced by serine, an amino acid with similar properties. This amino acid position is not well conserved in available vertebrate species. In addition, this alteration is predicted to be tolerated by in silico analysis. Since supporting evidence is limited at this time, the clinical significance of this alteration remains unclear.